The following is an entry in ClinVar:

ClinVar aggregate classification (germline): Uncertain significance. Review status: criteria provided, multiple submitters, no conflicts (2 of 4 stars). 5 submissions from 5 submitters: Uncertain significance (5). Last evaluated 2025-02-21.

Conditions:
Familial thoracic aortic aneurysm and aortic dissection (TAAD). Also called: Thoracic aortic aneurysms and dissections. Identifiers: Orphanet 91387, MedGen C4707243, MONDO:0019625.
Aortic aneurysm, familial thoracic 4 (AAT4). Also called: AORTIC ANEURYSM/AORTIC DISSECTION AND PATENT DUCTUS ARTERIOSUS. Identifiers: MedGen C1851504, MONDO:0007568, OMIM 132900.

Allele frequency attached by ClinVar (database versions not stated): gnomAD exomes below 0.00001; ExAC 0.00001; TOPMed 0.00001; gnomAD 0.00003; ESP Exome Variant Server 0.00008.
gnomAD v4.1: 5 of 1,614,002 alleles (0.00031%); highest among the groups gnomAD compares: African/African-American, 0.0053%; no homozygotes.

Submissions (5):

GeneDx
Classification: Uncertain significance. Last evaluated: 2025-02-21. Review status: criteria provided, single submitter. Criteria: GeneDx Variant Classification Process June 2021. Collection method: clinical testing. Allele origin: germline. Affected: yes.
Comment: Not observed at significant frequency in large population cohorts (gnomAD); In silico analysis supports that this missense variant has a deleterious effect on protein structure/function; Has not been previously published as pathogenic or benign to our knowledge

All of Us Research Program, National Institutes of Health
Classification: Uncertain significance for Familial thoracic aortic aneurysm and aortic dissection. Last evaluated: 2023-12-01. Review status: criteria provided, single submitter. Criteria: ACMG Guidelines, 2015. Collection method: clinical testing. Allele origin: germline. Inheritance: Autosomal dominant inheritance. Observed: 1 variant allele, 1 heterozygote.
Comment: This study involves interpretation of variants in research participants for the purpose of population health screening. Participant phenotype was not available at the time of variant classification. Additional details can be found in publication PMID: 35346344, PMCID: PMC8962531

Ambry Genetics
Classification: Uncertain significance for Familial thoracic aortic aneurysm and aortic dissection. Last evaluated: 2022-02-02. Review status: criteria provided, single submitter. Criteria: Ambry Variant Classification Scheme 2023. Collection method: clinical testing. Allele origin: germline.
Comment: The p.K1645Q variant (also known as c.4933A>C), located in coding exon 33 of the MYH11 gene, results from an A to C substitution at nucleotide position 4933. The lysine at codon 1645 is replaced by glutamine, an amino acid with similar properties. This amino acid position is conserved. In addition, the in silico prediction for this alteration is inconclusive. Since supporting evidence is limited at this time, the clinical significance of this alteration remains unclear.

Mayo Clinic Laboratories, Mayo Clinic
Classification: Uncertain significance. Last evaluated: 2021-12-15. Review status: criteria provided, single submitter. Criteria: ACMG Guidelines, 2015. Collection method: clinical testing. Allele origin: germline.

Labcorp Genetics (formerly Invitae), Labcorp
Classification: Uncertain significance for Aortic aneurysm, familial thoracic 4. Last evaluated: 2021-04-28. Review status: criteria provided, single submitter. Criteria: Invitae Variant Classification Sherloc (09022015). Collection method: clinical testing. Allele origin: germline.
Comment: This variant has not been reported in the literature in individuals with MYH11-related conditions. This variant is present in population databases (rs375607145, ExAC 0.01%). This sequence change replaces lysine with glutamine at codon 1652 of the MYH11 protein (p.Lys1652Gln). The lysine residue is highly conserved and there is a small physicochemical difference between lysine and glutamine. Algorithms developed to predict the effect of missense changes on protein structure and function (SIFT, PolyPhen-2, Align-GVGD) all suggest that this variant is likely to be disruptive, but these predictions have not been confirmed by published functional studies and their clinical significance is uncertain. In summary, the available evidence is currently insufficient to determine the role of this variant in disease. Therefore, it has been classified as a Variant of Uncertain Significance.

NM_002474.3(MYH11):c.4933A>C (p.Lys1645Gln)

Genes: MYH11 (myosin heavy chain 11; minus strand), NDE1 (nudE neurodevelopment protein 1; plus strand). Cytogenetic location: 16p13.11.
Variant type: single nucleotide variant.
Coding change: c.4933A>C on transcript NM_002474.3 (MANE Select); coding-DNA position 4933, A replaced by C.
Protein change: p.Lys1645Gln; replaces lysine 1645 with glutamine.
Molecular consequence: missense variant. On other transcripts: intron variant (2).
Genome position (GRCh38, 1-based): chr16:15,720,171, T>G on the plus strand (A>C on the coding strand, the complement: MYH11 is on the minus strand). VCF-style: chr16-15720171-T-G. GRCh37 (hg19) VCF-style: chr16-15814028-T-G.
Other names: p.Lys1645Gln; c.4954A>C, p.Lys1652Gln (NM_001040113.2, NM_001040114.2); c.4933A>C, p.Lys1645Gln (NM_022844.3); c.948-4020T>G (NM_001143979.2, NM_017668.3); short protein forms K1652Q, K1645Q.
Identifiers: ClinVar variation 1488224 (VCV001488224.15), dbSNP rs375607145, ClinGen allele CA7921506.
Genomic context (GRCh38, chr16:15,720,171, plus strand): 5'-CCTCCCTCCACCCATGCCCCAAGCTCCTAGTGTCACCCACCTGCAGTTTGCGTAGCTGCT[T>G]GATGGCTTCCTCCCTCCCCTTGATGGCAGAGTCGGCCTGAAGCTCCAGGTCTTTCAGGTC-3'
Protein context (NP_002465.1, residues 1635-1655): SAIKGREEAI[Lys1645Gln]QLRKLQAQMK